The following is an entry in ClinVar:

ClinVar aggregate classification (germline): Conflicting classifications of pathogenicity. Review status: criteria provided, conflicting classifications (1 of 4 stars). 4 submissions from 4 submitters: Likely pathogenic (2); Uncertain significance (2). Last evaluated 2026-01-27.

Conditions:
Osteoporosis with pseudoglioma (OPPG). Also called: osteoporosis-pseudoglioma syndrome. Identifiers: Orphanet 2788, MedGen C0432252, MONDO:0009820, OMIM 259770.
Exudative vitreoretinopathy 4 (EVR4). Identifiers: Orphanet 891, MedGen C1866176, MONDO:0011151, OMIM 601813.
Autosomal dominant osteopetrosis 1 (OPTA1). Also called: OSTEOPETROSIS, AUTOSOMAL DOMINANT, TYPE I. Identifiers: Orphanet 2783, MedGen C1843330, MONDO:0011877, OMIM 607634.
Bone mineral density quantitative trait locus 1 (BMND1). Identifiers: MedGen C1866079, OMIM 601884.
Polycystic liver disease 4 with or without kidney cysts. Identifiers: MedGen C4693479, MONDO:0044327, OMIM 617875.
Worth disease. Also called: ENDOSTEAL HYPEROSTOSIS, AUTOSOMAL DOMINANT; Autosomal dominant osteosclerosis, Worth type; OSTEOSCLEROSIS, AUTOSOMAL DOMINANT. Identifiers: Orphanet 2790, MedGen C0432273, MONDO:0007764, OMIM 144750.
LRP5-related disorder. Also called: LRP5-related condition.

Allele frequency attached by ClinVar (database versions not stated): ExAC 0.00001; gnomAD 0.00002 and 0.00003; TOPMed 0.00002; gnomAD exomes 0.00004; ESP Exome Variant Server 0.00008.
gnomAD v4.1: 47 of 1,613,776 alleles (0.0029%); highest among the groups gnomAD compares: South Asian, 0.019%; 1 homozygote.

Submissions (4):

Labcorp Genetics (formerly Invitae), Labcorp
Classification: Uncertain significance. Last evaluated: 2026-01-27. Review status: criteria provided, single submitter. Criteria: Invitae Variant Classification Sherloc (09022015). Collection method: clinical testing. Allele origin: germline.
Comment: This sequence change replaces valine, which is neutral and non-polar, with methionine, which is neutral and non-polar, at codon 366 of the LRP5 protein (p.Val366Met). This variant is present in population databases (rs367543496, gnomAD 0.02%). This missense change has been observed in individuals with autosomal dominant retinitis pigmentosa and/or clinical features of autosomal recessive osteoporosis with pseudoglioma (PMID: 22456437, 33531964, 37795942, 38465142). ClinVar contains an entry for this variant (Variation ID: 1008864). Invitae Evidence Modeling of protein sequence and biophysical properties (such as structural, functional, and spatial information, amino acid conservation, physicochemical variation, residue mobility, and thermodynamic stability) has been performed for this missense variant. However, the output from this modeling did not meet the statistical confidence thresholds required to predict the impact of this variant on LRP5 protein function. In summary, the available evidence is currently insufficient to determine the role of this variant in disease. Therefore, it has been classified as a Variant of Uncertain Significance.

Dasa
Classification: Uncertain significance. Last evaluated: 2025-12-14. Review status: criteria provided, single submitter. Criteria: DASA Assertion Criteria. Collection method: clinical testing. Allele origin: germline.
Comment: NM_002335.4(LRP5):c.1096G>A (p.Val366Met) is a missense variant that results in the substitution of valine with methionine. This variant is rare in population databases. Computational prediction algorithms are consistent with a deleterious effect. The currently available literature and clinical evidence are not sufficient to establish a definitive association between this variant and the reported condition. Therefore, this variant is classified as a variant of uncertain significance.

Blueprint Genetics
Classification: Likely pathogenic for LRP5-related disorders. Last evaluated: 2024-09-04. Review status: criteria provided, single submitter. Criteria: ACMG Guidelines, 2015. Collection method: clinical testing. Allele origin: germline. Affected: yes. Observed: 3 variant alleles.

Fulgent Genetics
Classification: Likely pathogenic for Worth disease; Osteoporosis with pseudoglioma; Exudative vitreoretinopathy 4; Bone mineral density quantitative trait locus 1; Autosomal dominant osteopetrosis 1; Polycystic liver disease 4 with or without kidney cysts. Last evaluated: 2024-04-29. Review status: criteria provided, single submitter. Criteria: ACMG Guidelines, 2015. Collection method: clinical testing. Allele origin: germline.

Literature cited by the submitters: PubMed 22456437 (cited by Labcorp Genetics (formerly Invitae), Labcorp); PubMed 33531964 (cited by Labcorp Genetics (formerly Invitae), Labcorp); PubMed 37795942 (cited by Labcorp Genetics (formerly Invitae), Labcorp); PubMed 38465142 (cited by Labcorp Genetics (formerly Invitae), Labcorp).

NM_002335.4(LRP5):c.1096G>A (p.Val366Met)

Gene: LRP5 (LDL receptor related protein 5; plus strand). Cytogenetic location: 11q13.2.
Variant type: single nucleotide variant.
Coding change: c.1096G>A on transcript NM_002335.4 (MANE Select); coding-DNA position 1096, G replaced by A.
Protein change: p.Val366Met; replaces valine 366 with methionine.
Molecular consequence: missense variant. On other transcripts: 5 prime UTR variant (1).
Genome position (GRCh38, 1-based): chr11:68,386,396, G>A. VCF-style: chr11-68386396-G-A. GRCh37 (hg19) VCF-style: chr11-68153864-G-A.
Other names: c.-670G>A (NM_001291902.2); short protein forms V366M.
Identifiers: ClinVar variation 1008864 (VCV001008864.14), dbSNP rs367543496, ClinGen allele CA6149245.